The following is an entry in ClinVar:

NM_017491.5(WDR1):c.1500C>T (p.Asp500=)

Gene: WDR1 (WD repeat domain 1; minus strand). Cytogenetic location: 4p16.1.
Variant type: single nucleotide variant.
Coding change: c.1500C>T on transcript NM_017491.5 (MANE Select); coding-DNA position 1500, C replaced by T.
Protein change: p.Asp500=; no amino-acid change (aspartic acid 500 retained).
Molecular consequence: synonymous variant.
Genome position (GRCh38, 1-based): chr4:10,077,822, G>A on the plus strand (C>T on the coding strand, the complement: WDR1 is on the minus strand). VCF-style: chr4-10077822-G-A. GRCh37 (hg19) VCF-style: chr4-10079446-G-A.
Other names: c.1500C>T (NM_017491.3); c.1080C>T, p.Asp360= (NM_005112.5).
Identifiers: ClinVar variation 1652910 (VCV001652910.11), dbSNP rs568166167, ClinGen allele CA2857545.
Genomic context (GRCh38, chr4:10,077,822, plus strand): 5'-GTCAGCAACGCTGAACACTGTGACCACCTTGCTGGCGTCGCACACCGCGAGGAAGGCGCC[G>A]TCGTGGGAGTAGGCCACGTCGGTCACGGGGCCCTTGGCCTCTAGGAGCTTGCCCTCATCC-3'
Protein context (NP_059830.1, residues 490-510): GPVTDVAYSH[Asp500=]GAFLAVCDAS

ClinVar aggregate classification (germline): Likely benign. Review status: criteria provided, multiple submitters, no conflicts (2 of 4 stars). 3 submissions from 3 submitters: Likely benign (2). 1 of the submissions does not count toward it. Last evaluated 2025-10-16.

Conditions:
WDR1-related disorder. Also called: WDR1-related condition.

Allele frequency attached by ClinVar (database versions not stated): TOPMed 0.00006; gnomAD 0.00009; gnomAD exomes 0.00010 and 0.00011; 1000 Genomes Project 30x 0.00016; ExAC 0.00016; 1000 Genomes Project 0.00020.
gnomAD v4.1: 171 of 1,607,782 alleles (0.011%); highest among the groups gnomAD compares: Non-Finnish European, 0.013%; 1 homozygote.

Submissions (3):

Labcorp Genetics (formerly Invitae), Labcorp
Classification: Likely benign. Last evaluated: 2025-10-16. Review status: criteria provided, single submitter. Criteria: Invitae Variant Classification Sherloc (09022015). Collection method: clinical testing. Allele origin: germline.

Blueprint Genetics
Classification: Likely benign. Last evaluated: 2024-08-08. Review status: criteria provided, single submitter. Criteria: ACMG Guidelines, 2015. Collection method: clinical testing. Allele origin: germline.

PreventionGenetics, part of Exact Sciences
Classification: Likely benign for WDR1-related condition. Last evaluated: 2024-02-28. Review status: no assertion criteria provided. Collection method: clinical testing. Allele origin: germline. Not counted in ClinVar's aggregate classification.
Comment: This variant is classified as likely benign based on ACMG/AMP sequence variant interpretation guidelines (Richards et al. 2015 PMID: 25741868, with internal and published modifications).